The following is an entry in ClinVar:

ClinVar aggregate classification (germline): Uncertain significance (1 of 4 stars; one submission).

Allele frequency attached by ClinVar (database versions not stated): gnomAD exomes 0.00001.
gnomAD v4.1: 5 of 1,614,054 alleles (0.00031%); highest among the groups gnomAD compares: Non-Finnish European, 0.00042%; no homozygotes.

Submission:

GeneDx
Classification: Uncertain significance. Last evaluated: 2013-08-20. Review status: criteria provided, single submitter. Criteria: GeneDx Variant Classification (06012015). Collection method: clinical testing. Allele origin: germline. Affected: yes.
Comment: c.421-6 C>G: IVS6-6 C>G in intron 6 of the NDUFS1 gene (NM_005006.5). The c.421-6 C>G sequence change has not been published as a mutation, nor has it been reported as a benign polymorphism to our knowledge. In-silico splice prediction models predict that c.421-6 C>G creates a cryptic splice acceptor site in intron 6, which would be expected to lead to abnormal gene splicing. However, the true effect of c.421-6 C>G on gene splicing in vivo is not known. Therefore, based on the currently available information, it is unclear whether c.421-6 C>G is a disease-causing mutation or a rare benign variant. The variant is found in MITONUC-MITOP panel(s).

NM_005006.7(NDUFS1):c.421-6C>G

Gene: NDUFS1 (NADH:ubiquinone oxidoreductase core subunit S1; minus strand). Cytogenetic location: 2q33.3.
Variant type: single nucleotide variant.
Coding change: c.421-6C>G on transcript NM_005006.7 (MANE Select); 6 bases into the intron before coding-DNA position 421, C replaced by G.
Molecular consequence: intron variant.
Genome position (GRCh38, 1-based): chr2:206,147,667, G>C on the plus strand (C>G on the coding strand, the complement: NDUFS1 is on the minus strand). VCF-style: chr2-206147667-G-C. GRCh37 (hg19) VCF-style: chr2-207012391-G-C.
Other names: c.88-6C>G (NM_001199982.2); c.250-6C>G (NM_001199983.2); c.313-6C>G (NM_001199981.2); c.463-6C>G (NM_001199984.2).
Identifiers: ClinVar variation 214769 (VCV000214769.2), dbSNP rs863224095, ClinGen allele CA325380.